The following is an entry in ClinVar:

NM_002303.6(LEPR):c.2674-5980G>A

Gene: LEPR (leptin receptor; plus strand). Cytogenetic location: 1p31.3.
Variant type: single nucleotide variant.
Coding change: c.2674-5980G>A on transcript NM_002303.6 (MANE Select); 5980 bases into the intron before coding-DNA position 2674, G replaced by A.
Molecular consequence: intron variant. On other transcripts: missense variant (2).
Genome position (GRCh38, 1-based): chr1:65,630,211, G>A. VCF-style: chr1-65630211-G-A. GRCh37 (hg19) VCF-style: chr1-66095894-G-A.
Other names: c.2683G>A, p.Gly895Ser (NM_001003680.3, NM_001198687.2); c.2674-2941G>A (NM_001003679.3, NM_001198689.2); short protein forms G895S.
Identifiers: ClinVar variation 4985641 (VCV004985641.1).

ClinVar aggregate classification (germline): Uncertain significance (1 of 4 stars; one submission).

Conditions:
LEPR-related disorder. Also called: LEPR-related disorders; LEPR-related condition.

Submission:

PreventionGenetics, part of Exact Sciences
Classification: Uncertain significance for LEPR-related condition. Last evaluated: 2024-12-27. Review status: criteria provided, single submitter. Criteria: ACMG Guidelines, 2015. Collection method: clinical testing. Allele origin: germline.
Comment: The LEPR c.2683G>A variant is predicted to result in the amino acid substitution p.Gly895Ser. This variant affects a transcript with evidence of low expression. In the transcript considered most clinically relevant, this variant is deep intronic (NM_002303:c.2674-5980G>A). To our knowledge, this variant has not been reported in the literature or in a large population database (gnomAD), indicating it is rare. At this time, the clinical significance of this variant is uncertain due to the absence of conclusive functional and genetic evidence.